The following is an entry in ClinVar:

NM_000179.3(MSH6):c.3223dup (p.Cys1075fs)

Gene: MSH6 (mutS homolog 6; plus strand). Cytogenetic location: 2p16.3.
Variant type: Duplication.
Coding change: c.3223dup on transcript NM_000179.3 (MANE Select); coding-DNA position 3223, one base duplicated (T; older notation c.3223dupT).
Protein change: p.Cys1075fs; shifts the reading frame from cysteine 1075.
Molecular consequence: frameshift variant.
Genome position (GRCh38, 1-based): chr2:47,803,470, T duplicated. VCF-style (leftmost placement, unchanged base first): chr2-47803469-G-GT. GRCh37 (hg19) VCF-style: chr2-48030608-G-GT.
Other names: c.2833dup, p.Cys945fs (NM_001281492.2); c.2317dup, p.Cys773fs (NM_001281493.2, NM_001281494.2); c.3223dupT (NM_000179.2); short protein forms C1075fs, C773fs, C945fs.
Identifiers: ClinVar variation 648372 (VCV000648372.8), dbSNP rs1572735072, ClinGen allele CA915943947.

ClinVar aggregate classification (germline): Pathogenic. Review status: criteria provided, multiple submitters, no conflicts (2 of 4 stars). 2 submissions from 2 submitters: Pathogenic (2). Last evaluated 2023-08-22.

Conditions:
Hereditary nonpolyposis colorectal neoplasms. Identifiers: MedGen C0009405, MeSH D003123.
Lynch syndrome 5 (LYNCH5). Also called: Hereditary non-polyposis colorectal cancer, type 5; Colorectal cancer, hereditary nonpolyposis, type 5. Identifiers: Orphanet 144, MedGen C1833477, MONDO:0013710, OMIM 614350. Disease mechanism: loss of function.

Submissions (2):

Myriad Genetics, Inc.
Classification: Pathogenic for Lynch syndrome 5. Last evaluated: 2023-08-22. Review status: criteria provided, single submitter. Criteria: Myriad Autosomal Dominant, Autosomal Recessive and X-Linked Classification Criteria (2023). Collection method: clinical testing. Allele origin: unknown.
Comment: This variant is considered pathogenic. This variant creates a frameshift predicted to result in premature protein truncation.

Labcorp Genetics (formerly Invitae), Labcorp
Classification: Pathogenic for Hereditary nonpolyposis colorectal neoplasms. Last evaluated: 2018-10-13. Review status: criteria provided, single submitter. Criteria: Invitae Variant Classification Sherloc (09022015). Collection method: clinical testing. Allele origin: germline.
Comment: Loss-of-function variants in MSH6 are known to be pathogenic (PMID: 18269114, 24362816). For these reasons, this variant has been classified as Pathogenic. This variant has not been reported in the literature in individuals with MSH6-related disease. This variant is not present in population databases (ExAC no frequency). This sequence change creates a premature translational stop signal (p.Cys1075Leufs*18) in the MSH6 gene. It is expected to result in an absent or disrupted protein product.

Literature cited by the submitters: PubMed 18269114 (cited by Labcorp Genetics (formerly Invitae), Labcorp); PubMed 24362816 (cited by Labcorp Genetics (formerly Invitae), Labcorp).